The following is an entry in ClinVar:

NM_017654.4(SAMD9):c.3428A>G (p.Asn1143Ser)

Gene: SAMD9 (sterile alpha motif domain containing 9; minus strand). Cytogenetic location: 7q21.2.
Variant type: single nucleotide variant.
Coding change: c.3428A>G on transcript NM_017654.4 (MANE Select); coding-DNA position 3428, A replaced by G.
Protein change: p.Asn1143Ser; replaces asparagine 1143 with serine.
Molecular consequence: missense variant.
Genome position (GRCh38, 1-based): chr7:93,102,670, T>C on the plus strand (A>G on the coding strand, the complement: SAMD9 is on the minus strand). VCF-style: chr7-93102670-T-C. GRCh37 (hg19) VCF-style: chr7-92731983-T-C.
Other names: c.3428A>G, p.Asn1143Ser (NM_001193307.2); short protein forms N1143S.
Identifiers: ClinVar variation 3897389 (VCV003897389.1).

ClinVar aggregate classification (germline): Uncertain significance (1 of 4 stars; one submission).

Submission:

GeneDx
Classification: Uncertain significance. Last evaluated: 2024-10-29. Review status: criteria provided, single submitter. Criteria: GeneDx Variant Classification Process June 2021. Collection method: clinical testing. Allele origin: germline. Affected: yes.
Comment: Not observed at significant frequency in large population cohorts (gnomAD); In silico analysis indicates that this missense variant does not alter protein structure/function; Has not been previously published as pathogenic or benign to our knowledge; This variant is associated with the following publications: (PMID: 28545555)